The following is an entry in ClinVar:

ClinVar aggregate classification (germline): Likely benign (0 of 4 stars; one submission).

Conditions:
TSC2-related disorder. Also called: TSC2-Related Disorders; TSC2-related condition.

Submission:

PreventionGenetics, part of Exact Sciences
Classification: Likely benign for TSC2-related condition. Last evaluated: 2021-01-03. Review status: no assertion criteria provided. Collection method: clinical testing. Allele origin: germline.
Comment: This variant is classified as likely benign based on ACMG/AMP sequence variant interpretation guidelines (Richards et al. 2015 PMID: 25741868, with internal and published modifications).

NM_000548.5(TSC2):c.1686A>C (p.Thr562=)

Gene: TSC2 (TSC complex subunit 2; plus strand). Cytogenetic location: 16p13.3.
Variant type: single nucleotide variant.
Coding change: c.1686A>C on transcript NM_000548.5 (MANE Select); coding-DNA position 1686, A replaced by C.
Protein change: p.Thr562=; no amino-acid change (threonine 562 retained).
Molecular consequence: synonymous variant. On other transcripts: non-coding transcript variant (5).
Genome position (GRCh38, 1-based): chr16:2,065,605, A>C. VCF-style: chr16-2065605-A-C. GRCh37 (hg19) VCF-style: chr16-2115606-A-C.
Other names: c.1686A>C, p.Thr562= (NM_001077183.3, NM_001114382.3, NM_001363528.2 and 6 more transcripts); c.1575A>C, p.Thr525= (NM_001318827.2, NM_001406670.1, NM_001406678.1); c.1539A>C, p.Thr513= (NM_001318829.2, NM_001406675.1, NM_001406676.1 and 1 more transcripts); c.1086A>C, p.Thr362= (NM_001318831.2, NM_001406680.1, NM_001406682.1 and 6 more transcripts); c.1719A>C, p.Thr573= (NM_001318832.2); c.1776A>C, p.Thr592= (NM_001406667.1, NM_001406668.1); c.1674A>C, p.Thr558= (NM_001406671.1, NM_001406673.1); c.1629A>C, p.Thr543= (NM_001406677.1); and 3 more.
Identifiers: ClinVar variation 3031491 (VCV003031491.2), dbSNP rs755900760, ClinGen allele CA492947894.
Genomic context (GRCh38, chr16:2,065,605, plus strand): 5'-CCCGGAGCTGGAAGAAAGGGATGTGGCCGCATACTCGGCCTCCTTGGAGGATGTGAAGAC[A>C]GCCGTCCTGGGGCTTCTGGTCATCCTTCAGGTGGGTGTTCTGCACGAGGCCTCTGCTCCC-3'
Protein context (NP_000539.2, residues 552-572): AYSASLEDVK[Thr562=]AVLGLLVILQ